The following is an entry in ClinVar:

NM_018685.5(ANLN):c.3118C>A (p.Arg1040Ser)

Gene: ANLN (anillin, actin binding protein; plus strand). Cytogenetic location: 7p14.2.
Variant type: single nucleotide variant.
Coding change: c.3118C>A on transcript NM_018685.5 (MANE Select); coding-DNA position 3118, C replaced by A.
Protein change: p.Arg1040Ser; replaces arginine 1040 with serine.
Molecular consequence: missense variant.
Genome position (GRCh38, 1-based): chr7:36,449,704, C>A. VCF-style: chr7-36449704-C-A. GRCh37 (hg19) VCF-style: chr7-36489313-C-A.
Other names: c.3007C>A, p.Arg1003Ser (NM_001284301.3); c.3004C>A, p.Arg1002Ser (NM_001284302.3); short protein forms R1002S, R1003S, R1040S.
Identifiers: ClinVar variation 3652810 (VCV003652810.2).

ClinVar aggregate classification (germline): Uncertain significance (1 of 4 stars; one submission).

Submission:

Labcorp Genetics (formerly Invitae), Labcorp
Classification: Uncertain significance. Last evaluated: 2024-05-09. Review status: criteria provided, single submitter. Criteria: Invitae Variant Classification Sherloc (09022015). Collection method: clinical testing. Allele origin: germline.
Comment: This sequence change replaces arginine, which is basic and polar, with serine, which is neutral and polar, at codon 1040 of the ANLN protein (p.Arg1040Ser). This variant is not present in population databases (gnomAD no frequency). This variant has not been reported in the literature in individuals affected with ANLN-related conditions. Advanced modeling of protein sequence and biophysical properties (such as structural, functional, and spatial information, amino acid conservation, physicochemical variation, residue mobility, and thermodynamic stability) performed at Invitae indicates that this missense variant is not expected to disrupt ANLN protein function with a negative predictive value of 80%. In summary, the available evidence is currently insufficient to determine the role of this variant in disease. Therefore, it has been classified as a Variant of Uncertain Significance.